The following is an entry in ClinVar:

NM_002972.4(SBF1):c.4486C>G (p.His1496Asp)

Gene: SBF1 (SET binding factor 1; minus strand). Cytogenetic location: 22q13.33.
Variant type: single nucleotide variant.
Coding change: c.4486C>G on transcript NM_002972.4 (MANE Select); coding-DNA position 4486, C replaced by G.
Protein change: p.His1496Asp; replaces histidine 1496 with aspartic acid.
Molecular consequence: missense variant.
Genome position (GRCh38, 1-based): chr22:50,455,292, G>C on the plus strand (C>G on the coding strand, the complement: SBF1 is on the minus strand). VCF-style: chr22-50455292-G-C. GRCh37 (hg19) VCF-style: chr22-50893721-G-C.
Other names: c.4411C>G, p.His1471Asp (NM_001365819.1); c.4489C>G, p.His1497Asp (NM_001410794.1); c.4408C>G, p.His1470Asp (NM_001410795.1); c.4486C>G, p.His1496Asp (NM_197971.1); short protein forms H1470D, H1471D, H1496D, H1497D.
Identifiers: ClinVar variation 1897868 (VCV001897868.5), dbSNP rs370680237, ClinGen allele CA10316251.
Genomic context (GRCh38, chr22:50,455,292, plus strand): 5'-CGCAGTCCAGGAACTGCAGGAAGACGGGTGTGAAGCCGCTGCTCTGCCCGGCCAGGGTGT[G>C]AGCTCCACGGTGGCTGAAGCGATGGCCGAAGGACAGCCACTCCTTCTCCACCAGCAGGCG-3'
Protein context (NP_002963.2, residues 1486-1506): FGHRFSHRGA[His1496Asp]TLAGQSSGFT

ClinVar aggregate classification (germline): Uncertain significance (1 of 4 stars; one submission).

Allele frequency attached by ClinVar (database versions not stated): TOPMed below 0.00001; gnomAD 0.00001; ExAC 0.00003; ESP Exome Variant Server 0.00008.
gnomAD v4.1: 6 of 1,613,374 alleles (0.00037%); highest among the groups gnomAD compares: Non-Finnish European, 0.00034%; no homozygotes.

Submission:

Labcorp Genetics (formerly Invitae), Labcorp
Classification: Uncertain significance. Last evaluated: 2022-08-13. Review status: criteria provided, single submitter. Criteria: Invitae Variant Classification Sherloc (09022015). Collection method: clinical testing. Allele origin: germline.
Comment: In summary, the available evidence is currently insufficient to determine the role of this variant in disease. Therefore, it has been classified as a Variant of Uncertain Significance. Algorithms developed to predict the effect of missense changes on protein structure and function (SIFT, PolyPhen-2, Align-GVGD) all suggest that this variant is likely to be tolerated. This variant has not been reported in the literature in individuals affected with SBF1-related conditions. This variant is present in population databases (rs370680237, gnomAD 0.003%). This sequence change replaces histidine, which is basic and polar, with aspartic acid, which is acidic and polar, at codon 1496 of the SBF1 protein (p.His1496Asp).